The following is an entry in ClinVar:

NM_001005373.4(LRSAM1):c.43C>T (p.Arg15Trp)

Gene: LRSAM1 (leucine rich repeat and sterile alpha motif containing 1; plus strand). Cytogenetic location: 9q33.3.
Variant type: single nucleotide variant.
Coding change: c.43C>T on transcript NM_001005373.4 (MANE Select); coding-DNA position 43, C replaced by T.
Protein change: p.Arg15Trp; replaces arginine 15 with tryptophan.
Molecular consequence: missense variant. On other transcripts: 5 prime UTR variant (1), non-coding transcript variant (2).
Genome position (GRCh38, 1-based): chr9:127,454,570, C>T. VCF-style: chr9-127454570-C-T. GRCh37 (hg19) VCF-style: chr9-130216849-C-T.
Other names: c.43C>T, p.Arg15Trp (NM_001005374.4, NM_001190723.3, NM_001384142.1 and 2 more transcripts); c.-742C>T (NM_001384144.1); short protein forms R15W.
Identifiers: ClinVar variation 1740309 (VCV001740309.4), dbSNP rs781265596, ClinGen allele CA5246352.

ClinVar aggregate classification (germline): Uncertain significance. Review status: criteria provided, multiple submitters, no conflicts (2 of 4 stars). 2 submissions from 2 submitters: Uncertain significance (2). Last evaluated 2025-11-09.

Conditions:
Charcot-Marie-Tooth disease axonal type 2P. Also called: CHARCOT-MARIE-TOOTH NEUROPATHY, TYPE 2P; CHARCOT-MARIE-TOOTH DISEASE, AXONAL, TYPE 2G; CMT 2G; Charcot-Marie-Tooth Neuropathy Type 2G. Identifiers: Orphanet 300319, Orphanet 99941, MedGen C3280797, MONDO:0013753, OMIM 614436.
Inborn genetic diseases. Identifiers: MedGen C0950123, MeSH D030342.

Allele frequency attached by ClinVar (database versions not stated): TOPMed 0.00002; ExAC 0.00004; gnomAD 0.00001.
gnomAD v4.1: 18 of 1,613,984 alleles (0.0011%); highest among the groups gnomAD compares: Admixed American, 0.017%; no homozygotes.

Submissions (2):

Labcorp Genetics (formerly Invitae), Labcorp
Classification: Uncertain significance for Charcot-Marie-Tooth disease axonal type 2P. Last evaluated: 2025-11-09. Review status: criteria provided, single submitter. Criteria: Invitae Variant Classification Sherloc (09022015). Collection method: clinical testing. Allele origin: germline.
Comment: This sequence change replaces arginine, which is basic and polar, with tryptophan, which is neutral and slightly polar, at codon 15 of the LRSAM1 protein (p.Arg15Trp). This variant is present in population databases (rs781265596, gnomAD 0.03%). This variant has not been reported in the literature in individuals affected with LRSAM1-related conditions. ClinVar contains an entry for this variant (Variation ID: 1740309). Invitae Evidence Modeling of protein sequence and biophysical properties (such as structural, functional, and spatial information, amino acid conservation, physicochemical variation, residue mobility, and thermodynamic stability) indicates that this missense variant is expected to disrupt LRSAM1 protein function with a positive predictive value of 80%. In summary, the available evidence is currently insufficient to determine the role of this variant in disease. Therefore, it has been classified as a Variant of Uncertain Significance.

Ambry Genetics
Classification: Uncertain significance for Inborn genetic diseases. Last evaluated: 2023-02-23. Review status: criteria provided, single submitter. Criteria: Ambry Variant Classification Scheme 2023. Collection method: clinical testing. Allele origin: germline.